The following is an entry in ClinVar:

ClinVar aggregate classification (germline): Uncertain significance. Review status: criteria provided, multiple submitters, no conflicts (2 of 4 stars). 6 submissions from 6 submitters: Uncertain significance (6). Last evaluated 2026-03-24.

Conditions:
Fanconi anemia (FA). Also called: Fanconi's anemia. Identifiers: Orphanet 84, MedGen C0015625, MeSH D005199, MONDO:0019391.
Fanconi anemia complementation group I (FANCI). Also called: FANCI-Related Fanconi Anemia. Identifiers: Orphanet 84, MedGen C1836861, MONDO:0012186, OMIM 609053.

Submissions (6):

GeneDx
Classification: Uncertain significance. Last evaluated: 2026-03-24. Review status: criteria provided, single submitter. Criteria: GeneDx Variant Classification Process June 2021. Collection method: clinical testing. Allele origin: germline.
Comment: In-frame deletion of 4 amino acids in a non-repeat region; Not observed at significant frequency in large population cohorts (gnomAD); In silico analysis supports a deleterious effect on protein structure/function; Has not been previously published as pathogenic or benign to our knowledge

Blueprint Genetics
Classification: Uncertain significance. Last evaluated: 2024-03-27. Review status: criteria provided, single submitter. Criteria: ACMG Guidelines, 2015. Collection method: clinical testing. Allele origin: germline.

Fulgent Genetics
Classification: Uncertain significance for Fanconi anemia complementation group I. Last evaluated: 2024-01-09. Review status: criteria provided, single submitter. Criteria: ACMG Guidelines, 2015. Collection method: clinical testing. Allele origin: germline.

Labcorp Genetics (formerly Invitae), Labcorp
Classification: Uncertain significance for Fanconi anemia. Last evaluated: 2022-08-15. Review status: criteria provided, single submitter. Criteria: Invitae Variant Classification Sherloc (09022015). Collection method: clinical testing. Allele origin: germline.
Comment: This variant, c.2078_2089del, results in the deletion of 4 amino acid(s) of the FANCI protein (p.Glu693_Glu696del), but otherwise preserves the integrity of the reading frame. This variant is present in population databases (rs764337166, gnomAD 0.05%). This variant has not been reported in the literature in individuals affected with FANCI-related conditions. ClinVar contains an entry for this variant (Variation ID: 238313). Experimental studies and prediction algorithms are not available or were not evaluated, and the functional significance of this variant is currently unknown. In summary, the available evidence is currently insufficient to determine the role of this variant in disease. Therefore, it has been classified as a Variant of Uncertain Significance.

Sema4
Classification: Uncertain significance for Fanconi anemia. Last evaluated: 2021-09-17. Review status: criteria provided, single submitter. Criteria: Sema4 Curation Guidelines. Collection method: curation. Allele origin: germline.
Comment: The FANCI c.2078_2089del (p.E693_E696del) variant has not been reported in the literature to our knowledge. This in-frame deletion removes four not conserved amino acids without altering the integrity of the reading frame. Functional studies and prediction algorithms are not available for this deletion, and the functional impact of this variant is unknown. This variant was observed in 12/24960 chromosomes in the African/African American population, no homozygotes, according to the Genome Aggregation Database (PMID: 32461654). This variant has been reported in ClinVar (Variation ID: 238313). The evidence is insufficient to meet ACMG/AMP criteria for classifying the variant as benign or pathogenic. Thus, the clinical significance of this variant is currently uncertain.

Breakthrough Genomics
Classification: Uncertain significance. Review status: criteria provided, single submitter. Criteria: ACMG Guidelines, 2015. Collection method: not provided. Allele origin: germline. Inheritance: Autosomal recessive inheritance. Affected: yes.

NM_001113378.2(FANCI):c.2066AGGAGGAAGAGG[1] (p.Glu693_Glu696del)

Gene: FANCI (FA complementation group I; plus strand). Cytogenetic location: 15q26.1.
Variant type: Microsatellite.
Coding change: c.2066AGGAGGAAGAGG[1] on transcript NM_001113378.2 (MANE Select); one copy of the 12-base unit AGGAGGAAGAGG starting at c.2066; the reference has two copies in a row; one copy, 12 bases deleted; also written c.2078_2089del.
Protein change: p.Glu693_Glu696del.
Molecular consequence: inframe deletion.
Genome position (GRCh38, 1-based): chr15:89,292,773-89,292,784, AGGAGGAAGAGG deleted; deleting any 12 consecutive bases within chr15:89,292,760-89,292,784 gives the same sequence; the position shown is the placement nearest the transcript's 3' end. VCF-style (leftmost placement, unchanged base first): chr15-89292759-AGAGGAGGAAGAG-A. GRCh37 (hg19) VCF-style: chr15-89835990-AGAGGAGGAAGAG-A.
Other names: c.2078_2089delAGGAGGAAGAGG (NM_001113378.1); c.1787AGGAGGAAGAGG[1], p.Glu600_Glu603del (NM_001376910.1); c.2066AGGAGGAAGAGG[1], p.Glu693_Glu696del (NM_001376911.1, NM_018193.3); c.2078_2089del (NM_001113378.2, NM_001113378.1).
Identifiers: ClinVar variation 238313 (VCV000238313.12), dbSNP rs878854176, ClinGen allele CA7723272.